The following is an entry in ClinVar:

ClinVar aggregate classification (germline): Uncertain significance. Review status: criteria provided, multiple submitters, no conflicts (2 of 4 stars). 2 submissions from 2 submitters: Uncertain significance (2). Last evaluated 2025-10-02.

Conditions:
VPS13B-related disorder. Also called: VPS13B-related condition.
Cohen syndrome (COH1). Also called: PEPPER SYNDROME; Cutis verticis gyrata, retinitis pigmentosa, and sensorineural deafness. Identifiers: Orphanet 193, MedGen C0265223, MONDO:0008999, OMIM 216550.

Allele frequency attached by ClinVar (database versions not stated): gnomAD exomes below 0.00001; TOPMed below 0.00001.
gnomAD v4.1: 1 of 1,614,184 alleles (0.000062%); highest among the groups gnomAD compares: Admixed American, 0.0017%; no homozygotes.

Submissions (2):

PreventionGenetics, part of Exact Sciences
Classification: Uncertain significance for VPS13B-related condition. Last evaluated: 2025-10-02. Review status: criteria provided, single submitter. Criteria: ACMG Guidelines, 2015. Collection method: clinical testing. Allele origin: germline.
Comment: The VPS13B c.11686A>G variant is predicted to result in the amino acid substitution p.Lys3896Glu. To our knowledge, this variant has not been reported in the literature. This variant is reported in 0.0029% of alleles in individuals of Latino descent in gnomAD. At this time, the clinical significance of this variant is uncertain due to the absence of conclusive functional and genetic evidence.

Labcorp Genetics (formerly Invitae), Labcorp
Classification: Uncertain significance for Cohen syndrome. Last evaluated: 2022-06-17. Review status: criteria provided, single submitter. Criteria: Invitae Variant Classification Sherloc (09022015). Collection method: clinical testing. Allele origin: germline.
Comment: This sequence change replaces lysine, which is basic and polar, with glutamic acid, which is acidic and polar, at codon 3921 of the VPS13B protein (p.Lys3921Glu). This variant is present in population databases (no rsID available, gnomAD 0.003%). This variant has not been reported in the literature in individuals affected with VPS13B-related conditions. Algorithms developed to predict the effect of missense changes on protein structure and function output the following: SIFT: "Not Available"; PolyPhen-2: "Benign"; Align-GVGD: "Not Available". The glutamic acid amino acid residue is found in multiple mammalian species, which suggests that this missense change does not adversely affect protein function. In summary, the available evidence is currently insufficient to determine the role of this variant in disease. Therefore, it has been classified as a Variant of Uncertain Significance.

NM_152564.5(VPS13B):c.11686A>G (p.Lys3896Glu)

Gene: VPS13B (vacuolar protein sorting 13 homolog B; plus strand). Cytogenetic location: 8q22.2.
Variant type: single nucleotide variant.
Coding change: c.11686A>G on transcript NM_152564.5 (MANE Select); coding-DNA position 11686, A replaced by G.
Protein change: p.Lys3896Glu; replaces lysine 3896 with glutamic acid.
Molecular consequence: missense variant.
Genome position (GRCh38, 1-based): chr8:99,871,638, A>G. VCF-style: chr8-99871638-A-G. GRCh37 (hg19) VCF-style: chr8-100883866-A-G.
Other names: c.11761A>G, p.Lys3921Glu (NM_017890.5); short protein forms K3896E, K3921E.
Identifiers: ClinVar variation 2085914 (VCV002085914.3), dbSNP rs1325172197, ClinGen allele CA371794874.